The following is an entry in ClinVar:

ClinVar aggregate classification (germline): Benign (1 of 4 stars; one submission).

Conditions:
Familial cancer of breast. Also called: hereditary breast carcinoma; BREAST CANCER, FAMILIAL; Hereditary breast cancer. Identifiers: Orphanet 227535, MedGen C0346153, MONDO:0016419, OMIM 114480. Disease mechanism: loss of function.

Submission:

Myriad Genetics, Inc.
Classification: Benign for Familial cancer of breast. Last evaluated: 2024-06-18. Review status: criteria provided, single submitter. Criteria: Myriad Autosomal Dominant, Autosomal Recessive and X-Linked Classification Criteria (2023). Collection method: clinical testing. Allele origin: unknown.
Comment: This variant is considered benign. This variant is a silent/synonymous amino acid change and it is not expected to impact splicing.

NM_000051.4(ATM):c.8073C>T (p.Arg2691=)

Genes: ATM (ATM serine/threonine kinase; plus strand), C11orf65 (chromosome 11 open reading frame 65; minus strand). Cytogenetic location: 11q22.3.
Variant type: single nucleotide variant.
Coding change: c.8073C>T on transcript NM_000051.4 (MANE Select); coding-DNA position 8073, C replaced by T.
Protein change: p.Arg2691=; no amino-acid change (arginine 2691 retained).
Molecular consequence: synonymous variant. On other transcripts: intron variant (2).
Genome position (GRCh38, 1-based): chr11:108,335,031, C>T. VCF-style: chr11-108335031-C-T. GRCh37 (hg19) VCF-style: chr11-108205758-C-T.
Other names: c.8073C>T, p.Arg2691= (NM_001351834.2); c.641-25960G>A (NM_001330368.2); c.*38+189G>A (NM_001351110.2).
Identifiers: ClinVar variation 3253995 (VCV003253995.1), dbSNP rs1215882325.